The following is an entry in ClinVar:

ClinVar aggregate classification (germline): Uncertain significance. Review status: criteria provided, multiple submitters, no conflicts (2 of 4 stars). 2 submissions from 2 submitters: Uncertain significance (2). Last evaluated 2024-10-09.

Allele frequency attached by ClinVar (database versions not stated): ExAC 0.00001; gnomAD 0.00003; TOPMed 0.00008; 1000 Genomes Project 0.00020; 1000 Genomes Project 30x 0.00031.
gnomAD v4.1: 13 of 1,613,788 alleles (0.00081%); highest among the groups gnomAD compares: Admixed American, 0.0067%; no homozygotes.

Submissions (2):

Labcorp Genetics (formerly Invitae), Labcorp
Classification: Uncertain significance. Last evaluated: 2024-10-09. Review status: criteria provided, single submitter. Criteria: Invitae Variant Classification Sherloc (09022015). Collection method: clinical testing. Allele origin: germline.
Comment: This sequence change replaces histidine, which is basic and polar, with arginine, which is basic and polar, at codon 60 of the PROM1 protein (p.His60Arg). This variant is present in population databases (rs186676979, gnomAD 0.003%). This variant has not been reported in the literature in individuals affected with PROM1-related conditions. ClinVar contains an entry for this variant (Variation ID: 1365215). Invitae Evidence Modeling of protein sequence and biophysical properties (such as structural, functional, and spatial information, amino acid conservation, physicochemical variation, residue mobility, and thermodynamic stability) indicates that this missense variant is not expected to disrupt PROM1 protein function with a negative predictive value of 80%. In summary, the available evidence is currently insufficient to determine the role of this variant in disease. Therefore, it has been classified as a Variant of Uncertain Significance.

Blueprint Genetics
Classification: Uncertain significance. Last evaluated: 2022-06-27. Review status: criteria provided, single submitter. Criteria: ACMG Guidelines, 2015. Collection method: clinical testing. Allele origin: germline.

NM_006017.3(PROM1):c.179A>G (p.His60Arg)

Gene: PROM1 (prominin 1; minus strand). Cytogenetic location: 4p15.32.
Variant type: single nucleotide variant.
Coding change: c.179A>G on transcript NM_006017.3 (MANE Select); coding-DNA position 179, A replaced by G.
Protein change: p.His60Arg; replaces histidine 60 with arginine.
Molecular consequence: missense variant.
Genome position (GRCh38, 1-based): chr4:16,075,728, T>C on the plus strand (A>G on the coding strand, the complement: PROM1 is on the minus strand). VCF-style: chr4-16075728-T-C. GRCh37 (hg19) VCF-style: chr4-16077351-T-C.
Other names: c.179A>G, p.His60Arg (NM_001145847.2, NM_001145848.2, NM_001145849.2 and 6 more transcripts); short protein forms H60R.
Identifiers: ClinVar variation 1365215 (VCV001365215.9), dbSNP rs186676979, ClinGen allele CA2867175.
Genomic context (GRCh38, chr4:16,075,728, plus strand): 5'-CCCTGCCATCAGCACTTACCTTCTGGGAAATCACGCGGCTGTACCACATAGAGAAAGATA[T>C]GCACTAGTTCAAAGAGAATGCCAATGGGTCCAGCTTTATGGGAGTCTTGGGTCTCATAAT-3'
Protein context (NP_006008.1, residues 50-70): GPIGILFELV[His60Arg]IFLYVVQPRD